The following is an entry in ClinVar:

NM_001144989.2(ZNF814):c.912C>G (p.Ser304=)

Gene: ZNF814 (zinc finger protein 814; minus strand). Cytogenetic location: 19q13.43.
Variant type: single nucleotide variant.
Coding change: c.912C>G on transcript NM_001144989.2 (MANE Select); coding-DNA position 912, C replaced by G.
Protein change: p.Ser304=; no amino-acid change (serine 304 retained).
Molecular consequence: synonymous variant.
Genome position (GRCh38, 1-based): chr19:57,874,478, G>C on the plus strand (C>G on the coding strand, the complement: ZNF814 is on the minus strand). VCF-style: chr19-57874478-G-C. GRCh37 (hg19) VCF-style: chr19-58385846-G-C.
Identifiers: ClinVar variation 2650578 (VCV002650578.24), dbSNP rs758427699, ClinGen allele CA9707499.

ClinVar aggregate classification (germline): Likely benign (1 of 4 stars; one submission).

Allele frequency attached by ClinVar (database versions not stated): ExAC 0.00059; gnomAD exomes 0.00098; gnomAD 0.00686.
gnomAD v4.1: 479 of 628,236 alleles (0.076%); highest among the groups gnomAD compares: Non-Finnish European, 0.099%; 11 homozygotes.

Submission:

CeGaT Center for Human Genetics Tuebingen
Classification: Likely benign. Last evaluated: 2024-02-01. Review status: criteria provided, single submitter. Criteria: CeGaT Center For Human Genetics Tuebingen Variant Classification Criteria Version 2. Collection method: clinical testing. Allele origin: germline. Affected: yes. Observed: 3 variant alleles.
Comment: ZNF814: BP4, BP7